The following is an entry in ClinVar:

ClinVar aggregate classification (germline): Uncertain significance (1 of 4 stars; one submission).

Conditions:
Inborn genetic diseases. Identifiers: MedGen C0950123, MeSH D030342.

Submission:

Ambry Genetics
Classification: Uncertain significance for Inborn genetic diseases. Last evaluated: 2025-04-21. Review status: criteria provided, single submitter. Criteria: Ambry Variant Classification Scheme 2023. Collection method: clinical testing. Allele origin: germline.
Comment: The p.N214K variant (also known as c.642T>A), located in coding exon 1 of the WT1 gene, results from a T to A substitution at nucleotide position 642. The asparagine at codon 214 is replaced by lysine, an amino acid with similar properties. This amino acid position is conserved. In addition, the in silico prediction for this alteration is inconclusive. Based on the available evidence, the clinical significance of this variant remains unclear.

NM_024426.6(WT1):c.657T>A (p.Asn219Lys)

Genes: WT1 (WT1 transcription factor; minus strand), LOC107982234 (WT1/WT1-AS bi-directional promoter region; plus strand). Cytogenetic location: 11p13.
Variant type: single nucleotide variant.
Coding change: c.657T>A on transcript NM_024426.6 (MANE Select); coding-DNA position 657, T replaced by A.
Protein change: p.Asn219Lys; replaces asparagine 219 with lysine.
Molecular consequence: missense variant. On other transcripts: non-coding transcript variant (2).
Genome position (GRCh38, 1-based): chr11:32,434,704, A>T on the plus strand (T>A on the coding strand, the complement: WT1 is on the minus strand). VCF-style: chr11-32434704-A-T. GRCh37 (hg19) VCF-style: chr11-32456250-A-T.
Other names: c.657T>A, p.Asn219Lys (NM_000378.6, NM_001407044.1, NM_001407045.1 and 6 more transcripts); c.438T>A, p.Asn146Lys (NM_001429031.1, NM_001429032.1, NM_001429033.1 and 1 more transcripts); short protein forms N146K, N219K, N214K.
Identifiers: ClinVar variation 3982453 (VCV003982453.1).